The following is an entry in ClinVar:

NM_025132.4(WDR19):c.1535G>A (p.Arg512Gln)

Gene: WDR19 (WD repeat domain 19; plus strand). Cytogenetic location: 4p14.
Variant type: single nucleotide variant.
Coding change: c.1535G>A on transcript NM_025132.4 (MANE Select); coding-DNA position 1535, G replaced by A.
Protein change: p.Arg512Gln; replaces arginine 512 with glutamine.
Molecular consequence: missense variant.
Genome position (GRCh38, 1-based): chr4:39,224,939, G>A. VCF-style: chr4-39224939-G-A. GRCh37 (hg19) VCF-style: chr4-39226559-G-A.
Other names: c.1055G>A, p.Arg352Gln (NM_001317924.2); short protein forms R352Q, R512Q.
Identifiers: ClinVar variation 848468 (VCV000848468.8), dbSNP rs537283735, ClinGen allele CA2891880.

ClinVar aggregate classification (germline): Uncertain significance. Review status: criteria provided, multiple submitters, no conflicts (2 of 4 stars). 3 submissions from 3 submitters: Uncertain significance (3). Last evaluated 2024-09-08.

Conditions:
Spermatogenic failure 72 (SPGF72). Identifiers: MedGen C5676980, MONDO:0030809, OMIM 619867.
Asphyxiating thoracic dystrophy 5 (SRTD5). Also called: SHORT-RIB THORACIC DYSPLASIA 5 WITH OR WITHOUT POLYDACTYLY; SHORT-RIB THORACIC DYSPLASIA 5 WITHOUT POLYDACTYLY. Identifiers: Orphanet 474, MedGen C3280598, MONDO:0013717, OMIM 614376.
Nephronophthisis 13 (NPHP13). Identifiers: Orphanet 655, MedGen C3280612, MONDO:0013718, OMIM 614377.
Cranioectodermal dysplasia 4 (CED4). Identifiers: Orphanet 1515, MedGen C3280616, MONDO:0013719, OMIM 614378.
Senior-Loken syndrome 8 (SLSN8). Identifiers: Orphanet 3156, MedGen C4225376, MONDO:0014579, OMIM 616307.

Allele frequency attached by ClinVar (database versions not stated): gnomAD 0.00001 and 0.00003; gnomAD exomes 0.00002 and 0.00004; TOPMed 0.00003; ExAC 0.00011; 1000 Genomes Project 30x 0.00016; 1000 Genomes Project 0.00020.
gnomAD v4.1: 37 of 1,578,920 alleles (0.0023%); highest among the groups gnomAD compares: East Asian, 0.032%; no homozygotes.

Submissions (3):

Blueprint Genetics
Classification: Uncertain significance. Last evaluated: 2024-09-08. Review status: criteria provided, single submitter. Criteria: ACMG Guidelines, 2015. Collection method: clinical testing. Allele origin: germline.

Fulgent Genetics
Classification: Uncertain significance for Asphyxiating thoracic dystrophy 5; Nephronophthisis 13; Cranioectodermal dysplasia 4; Senior-Loken syndrome 8; Spermatogenic failure 72. Last evaluated: 2024-03-21. Review status: criteria provided, single submitter. Criteria: ACMG Guidelines, 2015. Collection method: clinical testing. Allele origin: germline.

Labcorp Genetics (formerly Invitae), Labcorp
Classification: Uncertain significance for Senior-Loken syndrome 8; Asphyxiating thoracic dystrophy 5. Last evaluated: 2022-07-18. Review status: criteria provided, single submitter. Criteria: Invitae Variant Classification Sherloc (09022015). Collection method: clinical testing. Allele origin: germline.
Comment: This sequence change replaces arginine, which is basic and polar, with glutamine, which is neutral and polar, at codon 512 of the WDR19 protein (p.Arg512Gln). This variant is present in population databases (rs537283735, gnomAD 0.03%). This variant has not been reported in the literature in individuals affected with WDR19-related conditions. ClinVar contains an entry for this variant (Variation ID: 848468). Algorithms developed to predict the effect of missense changes on protein structure and function are either unavailable or do not agree on the potential impact of this missense change (SIFT: "Deleterious"; PolyPhen-2: "Possibly Damaging"; Align-GVGD: "Class C0"). In summary, the available evidence is currently insufficient to determine the role of this variant in disease. Therefore, it has been classified as a Variant of Uncertain Significance.